The following is an entry in ClinVar:

ClinVar aggregate classification (germline): Likely benign (0 of 4 stars; one submission).

Conditions:
NEO1-related disorder. Also called: NEO1-related condition.

Allele frequency attached by ClinVar (database versions not stated): TOPMed 0.00008; gnomAD 0.00019; gnomAD exomes 0.00025; 1000 Genomes Project 30x 0.00047; 1000 Genomes Project 0.00060; ExAC 0.00064.
gnomAD v4.1: 401 of 1,574,664 alleles (0.025%); highest among the groups gnomAD compares: South Asian, 0.44%; 7 homozygotes.

Submission:

PreventionGenetics, part of Exact Sciences
Classification: Likely benign for NEO1-related condition. Last evaluated: 2019-04-03. Review status: no assertion criteria provided. Collection method: clinical testing. Allele origin: germline.
Comment: This variant is classified as likely benign based on ACMG/AMP sequence variant interpretation guidelines (Richards et al. 2015 PMID: 25741868, with internal and published modifications).

NM_002499.4(NEO1):c.725-6T>G

Gene: NEO1 (neogenin 1; plus strand). Cytogenetic location: 15q24.1.
Variant type: single nucleotide variant.
Coding change: c.725-6T>G on transcript NM_002499.4 (MANE Select); 6 bases into the intron before coding-DNA position 725, T replaced by G.
Molecular consequence: intron variant.
Genome position (GRCh38, 1-based): chr15:73,126,411, T>G. VCF-style: chr15-73126411-T-G. GRCh37 (hg19) VCF-style: chr15-73418752-T-G.
Other names: c.725-6T>G (NM_001172624.2, NM_001419531.1, NM_001172623.2).
Identifiers: ClinVar variation 3058588 (VCV003058588.2), dbSNP rs539606269, ClinGen allele CA7647713.
Genomic context (GRCh38, chr15:73,126,411, plus strand): 5'-TGAGCCACCATGTCCAGCCTGTTTTGTCCTTTAATTATTGTCTTTGTTAATTTTTTTTTT[T>G]TTTAGATCCTGAGGTGATATCAGACTTGGTATTTTTGAAACAGCCTTCTCCCTTAGTCAG-3'